The following is an entry in ClinVar:

NM_001167.4(XIAP):c.*6549C>T

Gene: XIAP (X-linked inhibitor of apoptosis; plus strand). Cytogenetic location: Xq25.
Variant type: single nucleotide variant.
Coding change: c.*6549C>T on transcript NM_001167.4 (MANE Select); 6549 bases downstream of the stop codon, C replaced by T.
Molecular consequence: 3 prime UTR variant. On other transcripts: non-coding transcript variant (2).
Genome position (GRCh38, 1-based): chrX:123,913,730, C>T. VCF-style: chrX-123913730-C-T. GRCh37 (hg19) VCF-style: chrX-123047580-C-T.
Other names: c.*6549C>T (NM_001204401.2, NM_001378590.1, NM_001378591.1 and 1 more transcripts).
Identifiers: ClinVar variation 367864 (VCV000367864.5), dbSNP rs193060081, ClinGen allele CA10508499.

ClinVar aggregate classification (germline): Benign (1 of 4 stars; one submission).

Conditions:
X-linked lymphoproliferative disease due to XIAP deficiency. Also called: XIAP DEFICIENCY; XIAP-Related Lymphoproliferative Disease, X-Linked. Identifiers: Orphanet 2442, Orphanet 538934, MedGen C1845076, MONDO:0010385, OMIM 300635.

Allele frequency attached by ClinVar (database versions not stated): 1000 Genomes Project 0.00132; 1000 Genomes Project 30x 0.00146; TOPMed 0.00289; gnomAD exomes 0.00319 and 0.00388; gnomAD 0.00335 and 0.00342; ExAC 0.00425.
gnomAD v4.1: 1,192 of 321,540 alleles (0.37%); highest among the groups gnomAD compares: Non-Finnish European, 0.52%; 2 homozygotes.

Submission:

Illumina Laboratory Services, Illumina
Classification: Benign for X-linked lymphoproliferative disease due to XIAP deficiency. Last evaluated: 2018-01-12. Review status: criteria provided, single submitter. Criteria: ICSL Variant Classification Criteria 13 December 2019. Collection method: clinical testing. Allele origin: germline.
Comment: This variant was observed in the ICSL laboratory as part of a predisposition screen in an ostensibly healthy population. It had not been previously curated by ICSL or reported in the Human Gene Mutation Database (HGMD: prior to June 1st, 2018), and was therefore a candidate for classification through an automated scoring system. Utilizing variant allele frequency, disease prevalence and penetrance estimates, and inheritance mode, an automated score was calculated to assess if this variant is too frequent to cause the disease. Based on the score and internal cut-off values, a variant classified as benign is not then subjected to further curation. The score for this variant resulted in a classification of benign for this disease.